The following is an entry in ClinVar:

NM_000179.3(MSH6):c.2058T>C (p.Gly686=)

Gene: MSH6 (mutS homolog 6; plus strand). Cytogenetic location: 2p16.3.
Variant type: single nucleotide variant.
Coding change: c.2058T>C on transcript NM_000179.3 (MANE Select); coding-DNA position 2058, T replaced by C.
Protein change: p.Gly686=; no amino-acid change (glycine 686 retained).
Molecular consequence: synonymous variant.
Genome position (GRCh38, 1-based): chr2:47,800,041, T>C. VCF-style: chr2-47800041-T-C. GRCh37 (hg19) VCF-style: chr2-48027180-T-C.
Other names: c.1668T>C, p.Gly556= (NM_001281492.2); c.1152T>C, p.Gly384= (NM_001281493.2, NM_001281494.2).
Identifiers: ClinVar variation 796476 (VCV000796476.12), dbSNP rs770778638, ClinGen allele CA068431.

ClinVar aggregate classification (germline): Benign/Likely benign. Review status: criteria provided, multiple submitters, no conflicts (2 of 4 stars). 4 submissions from 4 submitters: Benign (1); Likely benign (3). Last evaluated 2025-10-22.

Conditions:
Lynch syndrome 5 (LYNCH5). Also called: Colorectal cancer, hereditary nonpolyposis, type 5; Hereditary non-polyposis colorectal cancer, type 5. Identifiers: Orphanet 144, MedGen C1833477, MONDO:0013710, OMIM 614350. Disease mechanism: loss of function.
Hereditary nonpolyposis colorectal neoplasms. Identifiers: MedGen C0009405, MeSH D003123.
Hereditary cancer-predisposing syndrome. Also called: Neoplastic Syndromes, Hereditary; Hereditary neoplastic syndrome; Tumor predisposition; Hereditary Cancer Syndrome. Identifiers: Orphanet 140162, MedGen C0027672, MeSH D009386, MONDO:0015356.
Lynch syndrome. Identifiers: Orphanet 144, MedGen C4552100, MONDO:0005835. Disease mechanism: loss of function.

Allele frequency attached by ClinVar (database versions not stated): gnomAD exomes below 0.00001; ExAC 0.00001.

Submissions (4):

Ambry Genetics
Classification: Likely benign for Hereditary cancer-predisposing syndrome. Last evaluated: 2025-10-22. Review status: criteria provided, single submitter. Criteria: Ambry Variant Classification Scheme 2023. Collection method: clinical testing. Allele origin: germline.

Myriad Genetics, Inc.
Classification: Benign for Lynch syndrome 5. Last evaluated: 2024-12-30. Review status: criteria provided, single submitter. Criteria: Myriad Autosomal Dominant, Autosomal Recessive and X-Linked Classification Criteria (2023). Collection method: clinical testing. Allele origin: unknown.
Comment: This variant is considered benign. This variant is a silent/synonymous amino acid change and it is not expected to impact splicing.

Labcorp Genetics (formerly Invitae), Labcorp
Classification: Likely benign for Hereditary nonpolyposis colorectal neoplasms. Last evaluated: 2024-05-28. Review status: criteria provided, single submitter. Criteria: Invitae Variant Classification Sherloc (09022015). Collection method: clinical testing. Allele origin: germline.

All of Us Research Program, National Institutes of Health
Classification: Likely benign for Lynch syndrome. Last evaluated: 2023-09-04. Review status: criteria provided, single submitter. Criteria: ACMG Guidelines, 2015. Collection method: clinical testing. Allele origin: germline. Inheritance: Autosomal dominant inheritance. Observed: 1 variant allele, 1 heterozygote.
Comment: This study involves interpretation of variants in research participants for the purpose of population health screening. Participant phenotype was not available at the time of variant classification. Additional details can be found in publication PMID: 35346344, PMCID: PMC8962531